The following is an entry in ClinVar:

NM_017763.6(RNF43):c.1648T>G (p.Tyr550Asp)

Gene: RNF43 (ring finger protein 43; minus strand). Cytogenetic location: 17q22.
Variant type: single nucleotide variant.
Coding change: c.1648T>G on transcript NM_017763.6 (MANE Select); coding-DNA position 1648, T replaced by G.
Protein change: p.Tyr550Asp; replaces tyrosine 550 with aspartic acid.
Molecular consequence: missense variant.
Genome position (GRCh38, 1-based): chr17:58,358,128, A>C on the plus strand (T>G on the coding strand, the complement: RNF43 is on the minus strand). VCF-style: chr17-58358128-A-C. GRCh37 (hg19) VCF-style: chr17-56435489-A-C.
Other names: c.1648T>G, p.Tyr550Asp (NM_001305544.3); c.1267T>G, p.Tyr423Asp (NM_001305545.2); short protein forms Y423D, Y550D.
Identifiers: ClinVar variation 3946894 (VCV003946894.1).
Genomic context (GRCh38, chr17:58,358,128, plus strand): 5'-CAGGCTTCCTGCCATGCCACTGGAACCGCTTTTTGTAGTGGTGGTGCCGGTGGCGGTGGT[A>C]GTGGACATGGCTGGAAACCTGGGTTTCCCCTGTGGGCACCACCGAGTCCAAGGAACGAGG-3'
Protein context (NP_060233.3, residues 540-560): GETQVSSHVH[Tyr550Asp]HRHRHHHYKK

ClinVar aggregate classification (germline): Uncertain significance (1 of 4 stars; one submission).

Submission:

Ambry Genetics
Classification: Uncertain significance. Last evaluated: 2025-05-17. Review status: criteria provided, single submitter. Criteria: Ambry Variant Classification Scheme 2023. Collection method: clinical testing. Allele origin: germline.
Comment: The p.Y550D variant (also known as c.1648T>G), located in coding exon 8 of the RNF43 gene, results from a T to G substitution at nucleotide position 1648. The tyrosine at codon 550 is replaced by aspartic acid, an amino acid with highly dissimilar properties. This amino acid position is conserved. In addition, this alteration is predicted to be tolerated by in silico analysis. Based on the available evidence, the clinical significance of this variant remains unclear.